The following is an entry in ClinVar:

ClinVar aggregate classification (germline): Pathogenic/Likely pathogenic. Review status: criteria provided, multiple submitters, no conflicts (2 of 4 stars). 29 submissions from 28 submitters: Pathogenic (23); Likely pathogenic (1). 5 of the submissions do not count toward it. Last evaluated 2026-08-06.

Conditions:
Monogenic hearing loss.
Autosomal recessive nonsyndromic hearing loss 4 (DFNB4). Also called: Deafness, autosomal recessive 4; DEAFNESS, AUTOSOMAL RECESSIVE 4, WITH ENLARGED VESTIBULAR AQUEDUCT, DIGENIC; FOXI1-Related Pendred Syndrome; KCNJ10-Related Pendred Syndrome; NEUROSENSORY NONSYNDROMIC RECESSIVE DEAFNESS 4; Enlarged vestibular aqueduct, digenic. Identifiers: Orphanet 90636, MedGen C3538946, MONDO:0010933, OMIM 600791.
Pendred syndrome (PDS). Also called: THYROID DYSHORMONOGENESIS 2B; THYROID HORMONOGENESIS, GENETIC DEFECT IN, 2B; Pendred Syndrome (PDS); Pendred's syndrome; DEAFNESS WITH GOITER; GOITER-DEAFNESS SYNDROME. Identifiers: Orphanet 705, MedGen C0271829, MONDO:0010134, OMIM 274600.
SLC26A4-related disorder. Also called: SLC26A4-related condition; SLC26A4-related disorders.
Rare genetic deafness. Identifiers: Orphanet 96210, MedGen C5680250.
Hearing loss, autosomal recessive. Also called: Rare autosomal recessive non-syndromic sensorineural deafness type DFNB; Deafness, autosomal recessive; Autosomal recessive nonsyndromic deafness; Nonsyndromic Hearing Loss, Recessive. Identifiers: Orphanet 90635, Orphanet 90636, MedGen C1846647, MONDO:0019588, OMIM 607197.
Ear malformation. Also called: Abnormality of the ear; CUP EAR. Identifiers: MedGen C0266589, MONDO:0007500, OMIM 128600, HP:0000598.

Allele frequency attached by ClinVar (database versions not stated): TOPMed 0.00006; ExAC 0.00012; gnomAD 0.00006.
gnomAD v4.1: 127 of 1,611,858 alleles (0.0079%); highest among the groups gnomAD compares: Admixed American, 0.022%; no homozygotes.

Submissions 1 to 14 of 29:

PreventionGenetics, part of Exact Sciences
Classification: Pathogenic for SLC26A4-related condition. Last evaluated: 2026-08-06. Review status: criteria provided, single submitter. Criteria: ACMG Guidelines, 2015. Collection method: clinical testing. Allele origin: germline.
Comment: The SLC26A4 c.1226G>A variant is predicted to result in the amino acid substitution p.Arg409His. This variant has been reported in the compound heterozygous and homozygous states in many patients with Pendred syndrome and autosomal recessive hearing loss with enlarged vestibular aqueducts (see for example, Van Hauwe et al. 1998. PubMed ID: 9618166; Fugazzola et al. 2007. PubMed ID: 17766716; Kahrizi et al. 2009. PubMed ID: 18813951; Zhao et al. 2014. PubMed ID: 25372295; Tian et al. 2021. PubMed ID: 34170635; Batissoco et al. 2022. PubMed ID: 34599368). In vitro functional studies have shown that the presence of this variant leads to defect of anion transport activity and impaired trafficking of pendrin to the cell membrane (Wasano et al. 2020. PubMed ID: 31599023 ; Zhang et al. 2021. PubMed ID: 34545167).  Of note, other missense variants affecting the same amino acid (p.Arg409Cys, p.Arg409Pro, p.Arg409Leu) have also been reported to be pathogenic for Pendred syndrome and autosomal recessive hearing loss with enlarged vestibular aqueducts (HGMD database; Chai et al. 2013. PubMed ID: 23918157). This variant is reported in 0.020% of alleles in individuals of Latino descent in gnomAD. Taken together, this variant is interpreted as pathogenic.

Labcorp Genetics (formerly Invitae), Labcorp
Classification: Pathogenic. Last evaluated: 2026-01-19. Review status: criteria provided, single submitter. Criteria: Invitae Variant Classification Sherloc (09022015). Collection method: clinical testing. Allele origin: germline.
Comment: This sequence change replaces arginine, which is basic and polar, with histidine, which is basic and polar, at codon 409 of the SLC26A4 protein (p.Arg409His). This variant is present in population databases (rs111033305, gnomAD 0.02%). This missense change has been observed in individual(s) with deafness or Pendred syndrome (PMID: 11919333, 16053392, 19786220, 20597900, 21961810, 24224479, 26100058, 26226137). In at least one individual the data is consistent with being in trans (on the opposite chromosome) from a pathogenic variant. ClinVar contains an entry for this variant (Variation ID: 43496). Invitae Evidence Modeling of protein sequence and biophysical properties (such as structural, functional, and spatial information, amino acid conservation, physicochemical variation, residue mobility, and thermodynamic stability) indicates that this missense variant is expected to disrupt SLC26A4 protein function with a positive predictive value of 95%. Experimental studies have shown that this missense change affects SLC26A4 function (PMID: 16053392). This variant disrupts the p.Arg409 amino acid residue in SLC26A4. Other variant(s) that disrupt this residue have been determined to be pathogenic (PMID: 18167283, 23185506, 25372295). This suggests that this residue is clinically significant, and that variants that disrupt this residue are likely to be disease-causing. For these reasons, this variant has been classified as Pathogenic.

Natera, Inc.
Classification: Pathogenic for Pendred syndrome. Last evaluated: 2025-11-25. Review status: criteria provided, single submitter. Criteria: Natera Variant Classification Schema (03/2026). Collection method: clinical testing. Allele origin: germline.
Comment: The c.1226G>A variant in SLC26A4 is a missense variant predicted to cause substitution of arginine to histidine at amino acid 409. This variant is rare in the general population with a frequency below the threshold expected for the associated phenotype(s). This variant has been observed in one or more individuals affected with the associated recessive disease, as either homozygous or compound heterozygous with a second variant (PMID: 30554688, 17766716). Additionally, this variant has been observed to segregate in affected family members (PMID: 17766716). Computational prediction algorithms indicate this variant is likely to affect gene or protein function. Given the available evidence, this variant is classified as Pathogenic.

North West Genomic Laboratory Hub, Manchester University NHS Foundation Trust
Classification: Pathogenic for Monogenic hearing loss. Last evaluated: 2025-10-21. Review status: criteria provided, single submitter. Criteria: ACGS Best Practice Guidelines for Variant Classification in Rare Disease 2024. Collection method: clinical testing. Allele origin: germline. Affected: yes.
Comment: PP3_Supp PP4_Supp PM3_VStr PM2_Supp

Institute of Human Genetics Munich, TUM University Hospital
Classification: Pathogenic for Autosomal recessive nonsyndromic hearing loss 4. Last evaluated: 2025-06-24. Review status: criteria provided, single submitter. Criteria: Classification criteria August 2017. Collection method: clinical testing. Allele origin: inherited. Inheritance: Autosomal recessive inheritance. Affected: yes. Observed: 1 variant allele.

Mayo Clinic Laboratories, Mayo Clinic
Classification: Pathogenic. Last evaluated: 2024-07-31. Review status: criteria provided, single submitter. Criteria: ACMG Guidelines, 2015. Collection method: clinical testing. Allele origin: germline. Observed: 1 variant allele.
Comment: PP3, PP4, PM2, PM3_strong, PS3

Fulgent Genetics
Classification: Pathogenic for Pendred syndrome; Autosomal recessive nonsyndromic hearing loss 4. Last evaluated: 2024-04-09. Review status: criteria provided, single submitter. Criteria: ACMG Guidelines, 2015. Collection method: clinical testing. Allele origin: germline.

Blueprint Genetics
Classification: Pathogenic for SLC26A4-related disorders. Last evaluated: 2024-04-04. Review status: criteria provided, single submitter. Criteria: ACMG Guidelines, 2015. Collection method: clinical testing. Allele origin: germline. Affected: yes. Observed: 5 variant alleles.

Baylor Genetics
Classification: Pathogenic for Autosomal recessive nonsyndromic hearing loss 4. Last evaluated: 2024-03-18. Review status: criteria provided, single submitter. Criteria: ACMG Guidelines, 2015. Collection method: clinical testing. Allele origin: unknown.

Women's Health and Genetics/Laboratory Corporation of America, LabCorp
Classification: Pathogenic for Pendred syndrome. Last evaluated: 2023-06-07. Review status: criteria provided, single submitter. Criteria: LabCorp Variant Classification Summary - May 2015. Collection method: clinical testing. Allele origin: germline.
Comment: Variant summary: SLC26A4 c.1226G>A (p.Arg409His) results in a non-conservative amino acid change located in the SLC26A/SulP transporter domain (IPR011547) of the encoded protein sequence. Five of five in-silico tools predict a damaging effect of the variant on protein function. The variant allele was found at a frequency of 0.0001 in 250826 control chromosomes (gnomAD). This frequency is not significantly higher than estimated for a pathogenic variant in SLC26A4 causing Pendred Syndrome (0.0001 vs 0.0035), allowing no conclusion about variant significance. c.1226G>A has been reported in the literature as a biallelic genotype in multiple individuals affected with Pendred Syndrome and individuals with bilateral non-syndromic hearing loss, both with and without enlarged vestibular aqueduct (e.g. Fugazzola_2007, Chai_2013). These data indicate that the variant is very likely to be associated with disease. The following publications have been ascertained in the context of this evaluation (PMID: 23918157, 17766716). Fourteen submitters have provided clinical-significance assessments for this variant to ClinVar after 2014 and all classified the variant as pathogenic (n=13)/likely pathogenic (n=1). Based on the evidence outlined above, the variant was classified as pathogenic.

Revvity Omics, Revvity
Classification: Pathogenic. Last evaluated: 2022-12-05. Review status: criteria provided, single submitter. Criteria: ACMG Guidelines, 2015. Collection method: clinical testing. Allele origin: germline.

Department of Pathology and Laboratory Medicine, Sinai Health System
Classification: Pathogenic for Pendred syndrome; Autosomal recessive nonsyndromic hearing loss 4. Last evaluated: 2022-05-04. Review status: criteria provided, single submitter. Criteria: ACMG Guidelines, 2015. Collection method: research. Allele origin: germline.

Genome-Nilou Lab
Classification: Pathogenic for Autosomal recessive nonsyndromic hearing loss 4. Last evaluated: 2021-09-05. Review status: criteria provided, single submitter. Criteria: ACMG Guidelines, 2015. Collection method: clinical testing. Allele origin: germline. Affected: no.

Genome-Nilou Lab
Classification: Pathogenic for Pendred syndrome. Last evaluated: 2021-09-05. Review status: criteria provided, single submitter. Criteria: ACMG Guidelines, 2015. Collection method: clinical testing. Allele origin: germline. Affected: no.

NM_000441.2(SLC26A4):c.1226G>A (p.Arg409His)

Gene: SLC26A4 (solute carrier family 26 member 4; plus strand). Cytogenetic location: 7q22.3.
Variant type: single nucleotide variant.
Coding change: c.1226G>A on transcript NM_000441.2 (MANE Select); coding-DNA position 1226, G replaced by A.
Protein change: p.Arg409His; replaces arginine 409 with histidine.
Molecular consequence: missense variant.
Genome position (GRCh38, 1-based): chr7:107,690,200, G>A. VCF-style: chr7-107690200-G-A. GRCh37 (hg19) VCF-style: chr7-107330645-G-A.
Other names: short protein forms R409H.
Identifiers: ClinVar variation 43496 (VCV000043496.81), dbSNP rs111033305, ClinGen allele CA261401.